The following is an entry in ClinVar:

ClinVar aggregate classification (germline): Uncertain significance (1 of 4 stars; one submission).

Conditions:
Hereditary cancer-predisposing syndrome. Also called: Neoplastic Syndromes, Hereditary; Tumor predisposition; Hereditary neoplastic syndrome; Hereditary Cancer Syndrome. Identifiers: Orphanet 140162, MedGen C0027672, MeSH D009386, MONDO:0015356.

Submission:

Ambry Genetics
Classification: Uncertain significance for Hereditary cancer-predisposing syndrome. Last evaluated: 2026-07-06. Review status: criteria provided, single submitter. Criteria: Ambry Variant Classification Scheme 2023. Collection method: clinical testing. Allele origin: germline.
Comment: The p.L498H variant (also known as c.1493T>A), located in coding exon 9 of the BRCA1 gene, results from a T to A substitution at nucleotide position 1493. The leucine at codon 498 is replaced by histidine, an amino acid with similar properties. This amino acid position is conserved. In addition, the in silico prediction for this alteration is inconclusive. Based on the available evidence, the clinical significance of this variant remains unclear.

NM_007294.4(BRCA1):c.1493T>A (p.Leu498His)

Gene: BRCA1 (BRCA1 DNA repair associated; minus strand). Cytogenetic location: 17q21.31.
Variant type: single nucleotide variant.
Coding change: c.1493T>A on transcript NM_007294.4 (MANE Select); coding-DNA position 1493, T replaced by A.
Protein change: p.Leu498His; replaces leucine 498 with histidine.
Molecular consequence: missense variant. On other transcripts: intron variant (137).
Genome position (GRCh38, 1-based): chr17:43,094,038, A>T on the plus strand (T>A on the coding strand, the complement: BRCA1 is on the minus strand). VCF-style: chr17-43094038-A-T. GRCh37 (hg19) VCF-style: chr17-41246055-A-T.
Other names: c.709+706T>A (NM_001408412.1, NM_001408409.1, NM_001408414.1 and 2 more transcripts); c.451+706T>A (NM_001408509.1, NM_001408508.1); c.574+706T>A (NM_001408491.1, NM_001408493.1, NM_001408490.1); c.460+1808T>A (NM_001408506.1, NM_001408507.1); c.577+706T>A (NM_001408481.1, NM_001408480.1, NM_001408492.1 and 9 more transcripts); c.778+706T>A (NM_001408408.1); c.661+706T>A (NM_001408446.1, NM_001408435.1, NM_001408448.1 and 6 more transcripts); c.784+706T>A (NM_001408401.1, NM_001408396.1, NM_001407985.1 and 13 more transcripts); and 40 more; short protein forms L202H, L409H, L450H, L451H, L457H, L370H, L410H, L456H.
Identifiers: ClinVar variation 5033174 (VCV005033174.1).
Genomic context (GRCh38, chr17:43,094,038, plus strand): 5'-ATAAAATCCTCAGGATGAAGGCCTGATGTAGGTCTCCTTTTACGCTTTAATTTATTTGTG[A>T]GGGGACGCTCTTGTATTATCTGTGGCTCAGTAACAAATGCTCCTATAATTAGATTTTCAG-3'
Protein context (NP_009225.1, residues 488-508): TEPQIIQERP[Leu498His]TNKLKRKRRP